The following is an entry in ClinVar:

NM_006389.5(HYOU1):c.988-20C>G

Gene: HYOU1 (hypoxia up-regulated 1; minus strand). Cytogenetic location: 11q23.3.
Variant type: single nucleotide variant.
Coding change: c.988-20C>G on transcript NM_006389.5 (MANE Select); 20 bases into the intron before coding-DNA position 988, C replaced by G.
Molecular consequence: intron variant.
Genome position (GRCh38, 1-based): chr11:119,052,449, G>C on the plus strand (C>G on the coding strand, the complement: HYOU1 is on the minus strand). VCF-style: chr11-119052449-G-C. GRCh37 (hg19) VCF-style: chr11-118923161-G-C.
Other names: c.988-20C>G (NM_001130991.3, NM_001411041.1).
Identifiers: ClinVar variation 2755800 (VCV002755800.3), dbSNP rs2497172871, ClinGen allele CA2697559017.

ClinVar aggregate classification (germline): Uncertain significance (1 of 4 stars; one submission).

Submission:

Labcorp Genetics (formerly Invitae), Labcorp
Classification: Uncertain significance. Last evaluated: 2023-08-28. Review status: criteria provided, single submitter. Criteria: Invitae Variant Classification Sherloc (09022015). Collection method: clinical testing. Allele origin: germline.
Comment: This variant has not been reported in the literature in individuals affected with HYOU1-related conditions. This variant is not present in population databases (gnomAD no frequency). This sequence change falls in intron 9 of the HYOU1 gene. It does not directly change the encoded amino acid sequence of the HYOU1 protein. In summary, the available evidence is currently insufficient to determine the role of this variant in disease. Therefore, it has been classified as a Variant of Uncertain Significance.